The following is an entry in ClinVar:

NM_001482.3(GATM):c.1269C>G (p.Asp423Glu)

Gene: GATM (glycine amidinotransferase; minus strand). Cytogenetic location: 15q21.1.
Variant type: single nucleotide variant.
Coding change: c.1269C>G on transcript NM_001482.3 (MANE Select); coding-DNA position 1269, C replaced by G.
Protein change: p.Asp423Glu; replaces aspartic acid 423 with glutamic acid.
Molecular consequence: missense variant.
Genome position (GRCh38, 1-based): chr15:45,362,112, G>C on the plus strand (C>G on the coding strand, the complement: GATM is on the minus strand). VCF-style: chr15-45362112-G-C. GRCh37 (hg19) VCF-style: chr15-45654310-G-C.
Other names: NM_001482.3(GATM):c.1269C>G; p.Asp423Glu; c.882C>G, p.Asp294Glu (NM_001321015.2); short protein forms D423E, D294E.
Identifiers: ClinVar variation 589915 (VCV000589915.7), dbSNP rs1566838768, ClinGen allele CA392254551.

ClinVar aggregate classification (germline): Uncertain significance. Review status: reviewed by expert panel (3 of 4 stars). 2 submissions from 2 submitters: Uncertain significance (1). 1 of the submissions does not count toward it. Last evaluated 2025-04-11.

Conditions:
Inborn genetic diseases. Identifiers: MedGen C0950123, MeSH D030342.
Arginine:glycine amidinotransferase deficiency (CCDS3). Also called: L-Arginine:Glycine Amidinotransferase (AGAT) Deficiency; Cerebral creatine deficiency syndrome 3; L-Arginine:Glycine Amidinotransferase Deficiency; Creatine deficiency syndrome due to AGAT deficiency; GATM deficiency; AGAT deficiency. Identifiers: Orphanet 35704, MedGen C2675179, MONDO:0012996, OMIM 612718.

Submissions (2):

ClinGen Cerebral Creatine Deficiency Syndromes Variant Curation Expert Panel, ClinGen
Classification: Uncertain significance for Arginine:glycine amidinotransferase deficiency. Last evaluated: 2025-04-11. Review status: reviewed by expert panel. Criteria: ClinGen CCDS ACMG Specifications GATM V2.0.0. Collection method: curation. Allele origin: germline. Inheritance: Autosomal recessive inheritance.
Comment: The NM_001482.3: c.1269C>G variant in GATM is a missense variant predicted to cause substitution of aspartate by glutamate at amino acid 423 (p.Asp423Glu). To our knowledge, this variant has not been reported in the literature in an individual with features of AGAT deficiency. This variant is absent in gnomAD v4.1.0. (PM2_Supporting). The computational predictor REVEL gives a score of 0.092 which is below the threshold of 0.29, evidence that does not predict a damaging effect on AGAT function, and SpliceAI does not predict any impact in splicing (BP4). There is a ClinVar entry for this variant (Variation ID: 58991). In summary, this variant meets the criteria to be classified as a variant of uncertain significance for AGAT deficiency based on the ACMG/AMP criteria applied, as specified by the ClinGen Cerebral Creatine Deficiency Syndromes Variant Curation Expert Panel (Specifications Version 2.0.0): PM2_Supporting, BP4. (Classification approved by the ClinGen CCDS VCEP on April 11, 2025).

Ambry Genetics
Classification: Uncertain significance for Inborn genetic diseases. Last evaluated: 2016-09-12. Review status: criteria provided, single submitter. Criteria: Ambry Variant Classification Scheme 2023. Collection method: clinical testing. Allele origin: germline. Not counted in ClinVar's aggregate classification.
Comment: The p.D423E variant (also known as c.1269C>G), located in coding exon 9 of the GATM gene, results from a C to G substitution at nucleotide position 1269. The aspartic acid at codon 423 is replaced by glutamic acid, an amino acid with highly similar properties. This variant was not reported in population based cohorts in the following databases: Database of Single Nucleotide Polymorphisms (dbSNP), NHLBI Exome Sequencing Project (ESP), and 1000 Genomes Project. In the ESP, this variant was not observed in 6496 samples (12992 alleles) with coverage at this position. This amino acid position is not well conserved in available vertebrate species. In addition, this alteration is predicted to be tolerated by in silico analysis. Since supporting evidence is limited at this time, the clinical significance of this alteration remains unclear.